The following is an entry in ClinVar:

NM_014270.5(SLC7A9):c.834G>A (p.Met278Ile)

Gene: SLC7A9 (solute carrier family 7 member 9; minus strand). Cytogenetic location: 19q13.11.
Variant type: single nucleotide variant.
Coding change: c.834G>A on transcript NM_014270.5 (MANE Select); coding-DNA position 834, G replaced by A.
Protein change: p.Met278Ile; replaces methionine 278 with isoleucine.
Molecular consequence: missense variant.
Genome position (GRCh38, 1-based): chr19:32,859,880, C>T on the plus strand (G>A on the coding strand, the complement: SLC7A9 is on the minus strand). VCF-style: chr19-32859880-C-T. GRCh37 (hg19) VCF-style: chr19-33350786-C-T.
Other names: c.834G>A, p.Met278Ile (NM_001126335.2, NM_001243036.2); short protein forms M278I.
Identifiers: ClinVar variation 3621659 (VCV003621659.2).

ClinVar aggregate classification (germline): Uncertain significance (1 of 4 stars; one submission).

gnomAD v4.1: 2 of 1,614,182 alleles (0.00012%); highest among the groups gnomAD compares: African/African-American, 0.0027%; no homozygotes.

Submission:

Labcorp Genetics (formerly Invitae), Labcorp
Classification: Uncertain significance. Last evaluated: 2024-10-31. Review status: criteria provided, single submitter. Criteria: Invitae Variant Classification Sherloc (09022015). Collection method: clinical testing. Allele origin: germline.
Comment: This sequence change replaces methionine, which is neutral and non-polar, with isoleucine, which is neutral and non-polar, at codon 278 of the SLC7A9 protein (p.Met278Ile). This variant is not present in population databases (gnomAD no frequency). This variant has not been reported in the literature in individuals affected with SLC7A9-related conditions. Invitae Evidence Modeling of protein sequence and biophysical properties (such as structural, functional, and spatial information, amino acid conservation, physicochemical variation, residue mobility, and thermodynamic stability) indicates that this missense variant is not expected to disrupt SLC7A9 protein function with a negative predictive value of 80%. In summary, the available evidence is currently insufficient to determine the role of this variant in disease. Therefore, it has been classified as a Variant of Uncertain Significance.